The following is an entry in ClinVar:

ClinVar aggregate classification (germline): Uncertain significance (1 of 4 stars; one submission).

Conditions:
Brugada syndrome. Also called: Sudden unexpected nocturnal death syndrome; Sudden unexplained nocturnal death syndrome; Sudden Unexplained Death Syndrome; Sudden Unexplained Nocturnal Death Syndrome (SUNDS). Identifiers: Orphanet 130, MedGen C1142166, MONDO:0015263.

gnomAD v4.1: 1 of 1,614,136 alleles (0.000062%); highest among the groups gnomAD compares: South Asian, 0.0011%; no homozygotes.

Submission:

Labcorp Genetics (formerly Invitae), Labcorp
Classification: Uncertain significance for Brugada syndrome. Last evaluated: 2022-06-13. Review status: criteria provided, single submitter. Criteria: Invitae Variant Classification Sherloc (09022015). Collection method: clinical testing. Allele origin: germline.
Comment: In summary, the available evidence is currently insufficient to determine the role of this variant in disease. Therefore, it has been classified as a Variant of Uncertain Significance. Advanced modeling of protein sequence and biophysical properties (such as structural, functional, and spatial information, amino acid conservation, physicochemical variation, residue mobility, and thermodynamic stability) performed at Invitae indicates that this missense variant is expected to disrupt SCN10A protein function. ClinVar contains an entry for this variant (Variation ID: 1038263). This variant has not been reported in the literature in individuals affected with SCN10A-related conditions. This variant is present in population databases (rs779733116, gnomAD 0.003%). This sequence change replaces glycine, which is neutral and non-polar, with aspartic acid, which is acidic and polar, at codon 805 of the SCN10A protein (p.Gly805Asp).

NM_006514.4(SCN10A):c.2414G>A (p.Gly805Asp)

Gene: SCN10A (sodium voltage-gated channel alpha subunit 10; minus strand). Cytogenetic location: 3p22.2.
Variant type: single nucleotide variant.
Coding change: c.2414G>A on transcript NM_006514.4 (MANE Select); coding-DNA position 2414, G replaced by A.
Protein change: p.Gly805Asp; replaces glycine 805 with aspartic acid.
Molecular consequence: missense variant.
Genome position (GRCh38, 1-based): chr3:38,728,768, C>T on the plus strand (G>A on the coding strand, the complement: SCN10A is on the minus strand). VCF-style: chr3-38728768-C-T. GRCh37 (hg19) VCF-style: chr3-38770259-C-T.
Other names: c.2414G>A, p.Gly805Asp (NM_001293306.2); c.2120G>A, p.Gly707Asp (NM_001293307.2); short protein forms G805D, G707D.
Identifiers: ClinVar variation 1038263 (VCV001038263.5), dbSNP rs779733116, ClinGen allele CA2320553.
Genomic context (GRCh38, chr3:38,728,768, plus strand): 5'-TCATGGGGCGCGGAGATATTTTTTCGGTTGTTACGGTAGTTTTCCCCTAGGAGCTGCTTG[C>T]CAACCAGAGCAAAGACAAAGACAATGATGGCCAGGATGATGGTGAGGTTCCCCAGTGCCC-3'
Protein context (NP_006505.4, residues 795-815): AIIVFVFALV[Gly805Asp]KQLLGENYRN